The following is an entry in ClinVar:

ClinVar aggregate classification (germline): Uncertain significance. Review status: criteria provided, multiple submitters, no conflicts (2 of 4 stars). 2 submissions from 2 submitters: Uncertain significance (2). Last evaluated 2025-02-12.

Conditions:
Parkinsonian-pyramidal syndrome. Also called: PARKINSON DISEASE 15, AUTOSOMAL RECESSIVE; PALLIDOPYRAMIDAL SYNDROME; PARKINSON DISEASE 15, AUTOSOMAL RECESSIVE EARLY-ONSET. Identifiers: Orphanet 171695, MedGen C1850100, MONDO:0009830, OMIM 260300.
Inborn genetic diseases. Identifiers: MedGen C0950123, MeSH D030342.

Submissions (2):

Ambry Genetics
Classification: Uncertain significance for Inborn genetic diseases. Last evaluated: 2025-02-12. Review status: criteria provided, single submitter. Criteria: Ambry Variant Classification Scheme 2023. Collection method: clinical testing. Allele origin: germline.

Labcorp Genetics (formerly Invitae), Labcorp
Classification: Uncertain significance for Parkinsonian-pyramidal syndrome. Last evaluated: 2021-11-14. Review status: criteria provided, single submitter. Criteria: Invitae Variant Classification Sherloc (09022015). Collection method: clinical testing. Allele origin: germline.
Comment: This variant has not been reported in the literature in individuals affected with FBXO7-related conditions. This variant is not present in population databases (gnomAD no frequency). This sequence change replaces glutamine, which is neutral and polar, with glutamic acid, which is acidic and polar, at codon 144 of the FBXO7 protein (p.Gln144Glu). In summary, the available evidence is currently insufficient to determine the role of this variant in disease. Therefore, it has been classified as a Variant of Uncertain Significance. Algorithms developed to predict the effect of missense changes on protein structure and function (SIFT, PolyPhen-2, Align-GVGD) all suggest that this variant is likely to be tolerated.

NM_012179.4(FBXO7):c.430C>G (p.Gln144Glu)

Gene: FBXO7 (F-box protein 7; plus strand). Cytogenetic location: 22q12.3.
Variant type: single nucleotide variant.
Coding change: c.430C>G on transcript NM_012179.4 (MANE Select); coding-DNA position 430, C replaced by G.
Protein change: p.Gln144Glu; replaces glutamine 144 with glutamic acid.
Molecular consequence: missense variant.
Genome position (GRCh38, 1-based): chr22:32,483,909, C>G. VCF-style: chr22-32483909-C-G. GRCh37 (hg19) VCF-style: chr22-32879896-C-G.
Other names: c.430C>G (NM_012179.3); c.193C>G, p.Gln65Glu (NM_001033024.2); c.88C>G, p.Gln30Glu (NM_001257990.2); short protein forms Q65E, Q144E, Q30E.
Identifiers: ClinVar variation 1498910 (VCV001498910.7), dbSNP rs2057480636, ClinGen allele CA411331377.